The following is an entry in ClinVar:

ClinVar aggregate classification (germline): Uncertain significance. Review status: criteria provided, multiple submitters, no conflicts (2 of 4 stars). 5 submissions from 5 submitters: Uncertain significance (5). Last evaluated 2023-12-15.

Conditions:
Ataxia-telangiectasia syndrome (AT). Also called: Ataxia-telangiectasia, complementation group D; AT, COMPLEMENTATION GROUP C; ATAXIA-TELANGIECTASIA, COMPLEMENTATION GROUP A; ATAXIA-TELANGIECTASIA, FRESNO VARIANT; Ataxia-telangiectasia; LOUIS-BAR SYNDROME. Identifiers: Orphanet 100, MedGen C0004135, MONDO:0008840, OMIM 208900.
Hereditary cancer-predisposing syndrome. Also called: Tumor predisposition; Hereditary neoplastic syndrome; Neoplastic Syndromes, Hereditary; Hereditary Cancer Syndrome. Identifiers: Orphanet 140162, MedGen C0027672, MeSH D009386, MONDO:0015356.
Familial cancer of breast. Also called: Hereditary breast cancer; BREAST CANCER, FAMILIAL; hereditary breast carcinoma. Identifiers: Orphanet 227535, MedGen C0346153, MONDO:0016419, OMIM 114480. Disease mechanism: loss of function.

Allele frequency attached by ClinVar (database versions not stated): gnomAD exomes below 0.00001.
gnomAD v4.1: 1 of 1,601,708 alleles (0.000062%); highest among the groups gnomAD compares: Non-Finnish European, 0.000085%; no homozygotes.

Submissions (5):

Ambry Genetics
Classification: Uncertain significance for Hereditary cancer-predisposing syndrome. Last evaluated: 2023-12-15. Review status: criteria provided, single submitter. Criteria: Ambry Variant Classification Scheme 2023. Collection method: clinical testing. Allele origin: germline.
Comment: The p.H2195R variant (also known as c.6584A>G), located in coding exon 45 of the ATM gene, results from an A to G substitution at nucleotide position 6584. The histidine at codon 2195 is replaced by arginine, an amino acid with highly similar properties. This amino acid position is conserved. In addition, this alteration is predicted to be tolerated by in silico analysis. Since supporting evidence is limited at this time, the clinical significance of this alteration remains unclear.

Color Diagnostics, LLC DBA Color Health
Classification: Uncertain significance for Hereditary cancer-predisposing syndrome. Last evaluated: 2023-12-05. Review status: criteria provided, single submitter. Criteria: ACMG Guidelines, 2015. Collection method: clinical testing. Allele origin: germline.
Comment: This missense variant replaces histidine with arginine at codon 2195 of the ATM protein. Computational prediction suggests that this variant may not impact protein structure and function (internally defined REVEL score threshold <= 0.5, PMID: 27666373). To our knowledge, functional studies have not been reported for this variant. This variant has not been reported in individuals affected with ATM-related disorders in the literature. This variant has not been identified in the general population by the Genome Aggregation Database (gnomAD). The available evidence is insufficient to determine the role of this variant in disease conclusively. Therefore, this variant is classified as a Variant of Uncertain Significance.

Labcorp Genetics (formerly Invitae), Labcorp
Classification: Uncertain significance for Ataxia-telangiectasia syndrome. Last evaluated: 2023-09-01. Review status: criteria provided, single submitter. Criteria: Invitae Variant Classification Sherloc (09022015). Collection method: clinical testing. Allele origin: germline.
Comment: This sequence change replaces histidine, which is basic and polar, with arginine, which is basic and polar, at codon 2195 of the ATM protein (p.His2195Arg). This variant is not present in population databases (gnomAD no frequency). This variant has not been reported in the literature in individuals affected with ATM-related conditions. ClinVar contains an entry for this variant (Variation ID: 630083). An algorithm developed to predict the effect of missense changes on protein structure and function (PolyPhen-2) suggests that this variant¬†is likely to be tolerated. In summary, the available evidence is currently insufficient to determine the role of this variant in disease. Therefore, it has been classified as a Variant of Uncertain Significance.

Sema4
Classification: Uncertain significance for Hereditary cancer-predisposing syndrome. Last evaluated: 2021-11-15. Review status: criteria provided, single submitter. Criteria: Sema4 Curation Guidelines. Collection method: curation. Allele origin: germline.
Comment: The ATM c.6584A>G (p.H2195R) variant has not been reported in the literature to our knowledge. It was not observed in the large and broad cohorts of the Genome Aggregation Database (PMID: 32461654). This variant has been reported in ClinVar (Variation ID 630083). Functional studies have not been performed, and in silico predictions of the variant's effect on protein function are inconclusive. The overall evidence is insufficient to meet ACMG/AMP criteria for classifying it as benign or pathogenic. In summary, the clinical significance of this variant is currently uncertain.

Department of Pathology and Laboratory Medicine, Sinai Health System
Classification: Uncertain significance for Familial cancer of breast. Last evaluated: 2020-10-23. Review status: criteria provided, single submitter. Criteria: ACMG Guidelines, 2015. Collection method: clinical testing. Allele origin: germline. Affected: yes.

NM_000051.4(ATM):c.6584A>G (p.His2195Arg)

Genes: ATM (ATM serine/threonine kinase; plus strand), C11orf65 (chromosome 11 open reading frame 65; minus strand). Cytogenetic location: 11q22.3.
Variant type: single nucleotide variant.
Coding change: c.6584A>G on transcript NM_000051.4 (MANE Select); coding-DNA position 6584, A replaced by G.
Protein change: p.His2195Arg; replaces histidine 2195 with arginine.
Molecular consequence: missense variant. On other transcripts: intron variant (2).
Genome position (GRCh38, 1-based): chr11:108,325,321, A>G. VCF-style: chr11-108325321-A-G. GRCh37 (hg19) VCF-style: chr11-108196048-A-G.
Other names: c.6584A>G, p.His2195Arg (NM_001351834.2); c.641-16250T>C (NM_001330368.2); c.*38+9899T>C (NM_001351110.2); short protein forms H2195R.
Identifiers: ClinVar variation 630083 (VCV000630083.49), dbSNP rs1565518051, ClinGen allele CA382554663.